The following is an entry in ClinVar:

NM_015528.3(RNF167):c.833dup (p.Pro279fs)

Gene: RNF167 (ring finger protein 167; plus strand). Cytogenetic location: 17p13.2.
Variant type: Duplication.
Coding change: c.833dup on transcript NM_015528.3 (MANE Select); coding-DNA position 833, one base duplicated (G; older notation c.833dupG).
Protein change: p.Pro279fs; shifts the reading frame from proline 279.
Molecular consequence: frameshift variant.
Genome position (GRCh38, 1-based): chr17:4,944,796, G duplicated; the last of 4 consecutive G bases (chr17:4,944,793-4,944,796); duplicating any one gives the same sequence. VCF-style (leftmost placement, unchanged base first): chr17-4944792-C-CG. GRCh37 (hg19) VCF-style: chr17-4848087-C-CG.
Other names: c.833dup, p.Pro279fs (NM_001320356.2, NM_001320357.2, NM_001320358.2 and 4 more transcripts); c.728dup, p.Pro244fs (NM_001320362.2, NM_001320363.2, NM_001320364.2 and 2 more transcripts); c.905dup, p.Pro303fs (NM_001370303.1, NM_001370304.1); c.830dup, p.Pro278fs (NM_001370306.1, NM_001370307.1); c.800dup, p.Pro268fs (NM_001370308.1); c.707dup, p.Pro237fs (NM_001370313.1); short protein forms P237fs, P279fs, P278fs, P303fs, P244fs, P268fs.
Identifiers: ClinVar variation 375600 (VCV000375600.2), dbSNP rs1057519428, ClinGen allele CA16044373.

ClinVar aggregate classification (germline): Benign (0 of 4 stars; one submission).

Conditions:
Renal carnitine transport defect (CDSP). Also called: Systemic primary carnitine deficiency disease; Carnitine Deficiency, Systemic; Carnitine transporter deficiency; Primary carnitine deficiency; CARNITINE TRANSPORTER, PLASMA-MEMBRANE, DEFICIENCY OF; CARNITINE UPTAKE DEFECT. Identifiers: Orphanet 158, MedGen C0342788, MONDO:0008919, OMIM 212140.

Submission:

Heart Center, Academic Medical Center Amsterdam
Classification: Benign for Renal carnitine transport defect. Last evaluated: 2017-01-24. Review status: no assertion criteria provided. Collection method: clinical testing. Allele origin: germline. Affected: yes. Observed: 1 variant allele, 1 homozygote.
Comment: Biochemical testing confirmed primary carnitine deficiency (PCD). We therefore think that the RNF167 variant is not associated to the disease in this child.